The following is an entry in ClinVar:

ClinVar aggregate classification (germline): Pathogenic/Likely pathogenic. Review status: criteria provided, multiple submitters, no conflicts (2 of 4 stars). 3 submissions from 3 submitters: Pathogenic (1); Likely pathogenic (1). 1 of the submissions does not count toward it. Last evaluated 2026-01-21.

Conditions:
Peroxisome biogenesis disorder 3A (Zellweger). Also called: PEROXISOMAL BIOGENESIS DISORDER 3A (ZELLWEGER); Peroxisome biogenesis disorder 3A. Identifiers: Orphanet 912, MedGen C3553929, MONDO:0013927, OMIM 614859.
Peroxisome biogenesis disorder type 3B. Identifiers: Orphanet 44, Orphanet 772, MedGen C3550693, MONDO:0009959, OMIM 266510.

Submissions (3):

Labcorp Genetics (formerly Invitae), Labcorp
Classification: Pathogenic for Peroxisome biogenesis disorder 3A (Zellweger). Last evaluated: 2026-01-21. Review status: criteria provided, single submitter. Criteria: Invitae Variant Classification Sherloc (09022015). Collection method: clinical testing. Allele origin: germline.
Comment: This sequence change creates a premature translational stop signal (p.Leu75Valfs*2) in the PEX12 gene. It is expected to result in an absent or disrupted protein product. Loss-of-function variants in PEX12 are known to be pathogenic (PMID: 9090384, 9632816, 21031596). This variant is not present in population databases (gnomAD no frequency). This variant has not been reported in the literature in individuals affected with PEX12-related conditions. ClinVar contains an entry for this variant (Variation ID: 550148). For these reasons, this variant has been classified as Pathogenic.

Baylor Genetics
Classification: Likely pathogenic for Peroxisome biogenesis disorder 3A (Zellweger). Last evaluated: 2023-11-30. Review status: criteria provided, single submitter. Criteria: ACMG Guidelines, 2015. Collection method: clinical testing. Allele origin: unknown.

Counsyl
Classification: Likely pathogenic for Peroxisome biogenesis disorder type 3B; Peroxisome biogenesis disorder 3A (Zellweger). Last evaluated: 2017-01-06. Review status: no assertion criteria provided. Collection method: clinical testing. Allele origin: unknown. Not counted in ClinVar's aggregate classification.

Literature cited by the submitters: PubMed 9090384 (cited by Labcorp Genetics (formerly Invitae), Labcorp); PubMed 9632816 (cited by Labcorp Genetics (formerly Invitae), Labcorp); PubMed 21031596 (cited by Labcorp Genetics (formerly Invitae), Labcorp).

NM_000286.3(PEX12):c.223_224del (p.Leu75fs)

Gene: PEX12 (peroxisomal biogenesis factor 12; minus strand). Cytogenetic location: 17q12.
Variant type: Deletion.
Coding change: c.223_224del on transcript NM_000286.3 (MANE Select); coding-DNA positions 223 to 224, 2 bases deleted (CT; older notation c.223_224delCT).
Protein change: p.Leu75fs; shifts the reading frame from leucine 75.
Molecular consequence: frameshift variant.
Genome position (GRCh38, 1-based): chr17:35,577,494-35,577,495, AG deleted on the plus strand (CT on the coding strand, the reverse complement: PEX12 is on the minus strand); deleting any 2 consecutive bases within chr17:35,577,494-35,577,496 gives the same sequence; the c. name uses the placement nearest the transcript's 3' end. VCF-style (leftmost placement, unchanged base first): chr17-35577493-CAG-C. GRCh37 (hg19) VCF-style: chr17-33904512-CAG-C.
Other names: short protein forms L75fs.
Identifiers: ClinVar variation 550148 (VCV000550148.11), dbSNP rs1555549876, ClinGen allele CA658824206.